The following is an entry in ClinVar:

ClinVar aggregate classification (germline): Uncertain significance (1 of 4 stars; one submission).

Conditions:
Cardiovascular phenotype. Identifiers: MedGen CN230736.

Allele frequency attached by ClinVar (database versions not stated): gnomAD exomes below 0.00001.
gnomAD v4.1: 2 of 1,459,014 alleles (0.00014%); highest among the groups gnomAD compares: Non-Finnish European, 0.00018%; no homozygotes.

Submission:

Ambry Genetics
Classification: Uncertain significance for Cardiovascular phenotype. Last evaluated: 2023-01-29. Review status: criteria provided, single submitter. Criteria: Ambry Variant Classification Scheme 2023. Collection method: clinical testing. Allele origin: germline.
Comment: The p.P480S variant (also known as c.1438C>T), located in coding exon 4 of the JPH2 gene, results from a C to T substitution at nucleotide position 1438. The proline at codon 480 is replaced by serine, an amino acid with similar properties. This amino acid position is conserved. In addition, this alteration is predicted to be tolerated by in silico analysis. Since supporting evidence is limited at this time, the clinical significance of this alteration remains unclear.

NM_020433.5(JPH2):c.1438C>T (p.Pro480Ser)

Gene: JPH2 (junctophilin 2; minus strand). Cytogenetic location: 20q13.12.
Variant type: single nucleotide variant.
Coding change: c.1438C>T on transcript NM_020433.5 (MANE Select); coding-DNA position 1438, C replaced by T.
Protein change: p.Pro480Ser; replaces proline 480 with serine.
Molecular consequence: missense variant.
Genome position (GRCh38, 1-based): chr20:44,116,237, G>A on the plus strand (C>T on the coding strand, the complement: JPH2 is on the minus strand). VCF-style: chr20-44116237-G-A. GRCh37 (hg19) VCF-style: chr20-42744877-G-A.
Other names: short protein forms P480S.
Identifiers: ClinVar variation 2451750 (VCV002451750.2), dbSNP rs2515718419, ClinGen allele CA409100629.
Genomic context (GRCh38, chr20:44,116,237, plus strand): 5'-CGGGCCTGGGCCGCTTGGGCTGCGGGGGCGTCCCGGCCGGTGACGGGGAGCCACCCTCGG[G>A]CCGAGGGGTCTCACGCTCGTGCAGCTGCGGGCTCTCGCGGGGCGGCTGTGGGAGGCCCGC-3'
Protein context (NP_065166.2, residues 470-490): PQLHERETPR[Pro480Ser]EGGSPSPAGT